The following is an entry in ClinVar:

ClinVar aggregate classification (germline): Uncertain significance (1 of 4 stars; one submission).

gnomAD v4.1: 2 of 1,612,630 alleles (0.00012%); highest among the groups gnomAD compares: Non-Finnish European, 0.00017%; no homozygotes.

Submission:

GeneDx
Classification: Uncertain significance. Last evaluated: 2024-07-06. Review status: criteria provided, single submitter. Criteria: GeneDx Variant Classification Process June 2021. Collection method: clinical testing. Allele origin: germline. Affected: yes.
Comment: Not observed at significant frequency in large population cohorts (gnomAD); In silico analysis supports that this missense variant has a deleterious effect on protein structure/function; Has not been previously published as pathogenic or benign to our knowledge

NM_001170535.3(ATAD3A):c.1354G>A (p.Ala452Thr)

Gene: ATAD3A (ATPase family AAA domain containing 3A; plus strand). Cytogenetic location: 1p36.33.
Variant type: single nucleotide variant.
Coding change: c.1354G>A on transcript NM_001170535.3 (MANE Select); coding-DNA position 1354, G replaced by A.
Protein change: p.Ala452Thr; replaces alanine 452 with threonine.
Molecular consequence: missense variant.
Genome position (GRCh38, 1-based): chr1:1,527,711, G>A. VCF-style: chr1-1527711-G-A. GRCh37 (hg19) VCF-style: chr1-1463091-G-A.
Other names: c.1117G>A, p.Ala373Thr (NM_001170536.3); c.1498G>A, p.Ala500Thr (NM_018188.5); short protein forms A373T, A500T, A452T.
Identifiers: ClinVar variation 3393711 (VCV003393711.1).